The following is an entry in ClinVar:

ClinVar aggregate classification (germline): Uncertain significance (1 of 4 stars; one submission).

Conditions:
Kabuki syndrome. Also called: Kabuki make-up syndrome; NIIKAWA-KUROKI SYNDROME. Identifiers: Orphanet 2322, MedGen C0796004, MONDO:0016512.

Allele frequency attached by ClinVar (database versions not stated): gnomAD exomes below 0.00001.
gnomAD v4.1: 2 of 1,511,112 alleles (0.00013%); highest among the groups gnomAD compares: Non-Finnish European, 0.000089%; no homozygotes.

Submission:

Labcorp Genetics (formerly Invitae), Labcorp
Classification: Uncertain significance for Kabuki syndrome. Last evaluated: 2022-08-19. Review status: criteria provided, single submitter. Criteria: Invitae Variant Classification Sherloc (09022015). Collection method: clinical testing. Allele origin: germline.
Comment: In summary, the available evidence is currently insufficient to determine the role of this variant in disease. Therefore, it has been classified as a Variant of Uncertain Significance. Advanced modeling of protein sequence and biophysical properties (such as structural, functional, and spatial information, amino acid conservation, physicochemical variation, residue mobility, and thermodynamic stability) performed at Invitae indicates that this missense variant is not expected to disrupt KMT2D protein function. This variant has not been reported in the literature in individuals affected with KMT2D-related conditions. This variant is not present in population databases (gnomAD no frequency). This sequence change replaces leucine, which is neutral and non-polar, with arginine, which is basic and polar, at codon 833 of the KMT2D protein (p.Leu833Arg).

NM_003482.4(KMT2D):c.2498T>G (p.Leu833Arg)

Gene: KMT2D (lysine methyltransferase 2D; minus strand). Cytogenetic location: 12q13.12.
Variant type: single nucleotide variant.
Coding change: c.2498T>G on transcript NM_003482.4 (MANE Select); coding-DNA position 2498, T replaced by G.
Protein change: p.Leu833Arg; replaces leucine 833 with arginine.
Molecular consequence: missense variant.
Genome position (GRCh38, 1-based): chr12:49,051,185, A>C on the plus strand (T>G on the coding strand, the complement: KMT2D is on the minus strand). VCF-style: chr12-49051185-A-C. GRCh37 (hg19) VCF-style: chr12-49444968-A-C.
Other names: short protein forms L833R.
Identifiers: ClinVar variation 2114296 (VCV002114296.4), dbSNP rs1937967080, ClinGen allele CA384665673.